The following is an entry in ClinVar:

ClinVar aggregate classification (germline): Uncertain significance (1 of 4 stars; one submission).

Conditions:
ALG9 congenital disorder of glycosylation (CDG1L). Also called: CDG Il; CONGENITAL DISORDER OF GLYCOSYLATION, TYPE Il; ALG9-CDG. Identifiers: Orphanet 79328, MedGen C2931006, MONDO:0012117, OMIM 608776.

Allele frequency attached by ClinVar (database versions not stated): ExAC 0.00002; gnomAD 0.00002; gnomAD exomes 0.00003; ESP Exome Variant Server 0.00015.
gnomAD v4.1: 48 of 1,613,630 alleles (0.003%); highest among the groups gnomAD compares: Non-Finnish European, 0.0039%; no homozygotes.

Submission:

Labcorp Genetics (formerly Invitae), Labcorp
Classification: Uncertain significance for ALG9 congenital disorder of glycosylation. Last evaluated: 2022-06-02. Review status: criteria provided, single submitter. Criteria: Invitae Variant Classification Sherloc (09022015). Collection method: clinical testing. Allele origin: germline.
Comment: In summary, the available evidence is currently insufficient to determine the role of this variant in disease. Therefore, it has been classified as a Variant of Uncertain Significance. Algorithms developed to predict the effect of missense changes on protein structure and function are either unavailable or do not agree on the potential impact of this missense change (SIFT: "Tolerated"; PolyPhen-2: "Possibly Damaging"; Align-GVGD: "Class C0"). This variant has not been reported in the literature in individuals affected with ATP6V0A2-related conditions. This variant is present in population databases (rs140223278, gnomAD 0.0009%). This sequence change replaces leucine, which is neutral and non-polar, with methionine, which is neutral and non-polar, at codon 125 of the ATP6V0A2 protein (p.Leu125Met).

NM_012463.4(ATP6V0A2):c.373C>A (p.Leu125Met)

Gene: ATP6V0A2 (ATPase H+ transporting V0 subunit a2; plus strand). Cytogenetic location: 12q24.31.
Variant type: single nucleotide variant.
Coding change: c.373C>A on transcript NM_012463.4 (MANE Select); coding-DNA position 373, C replaced by A.
Protein change: p.Leu125Met; replaces leucine 125 with methionine.
Molecular consequence: missense variant.
Genome position (GRCh38, 1-based): chr12:123,724,732, C>A. VCF-style: chr12-123724732-C-A. GRCh37 (hg19) VCF-style: chr12-124209279-C-A.
Other names: short protein forms L125M.
Identifiers: ClinVar variation 1944001 (VCV001944001.5), dbSNP rs140223278, ClinGen allele CA6861586.